The following is an entry in ClinVar:

NM_024529.5(CDC73):c.680G>A (p.Arg227Lys)

Gene: CDC73 (cell division cycle 73; plus strand). Cytogenetic location: 1q31.2.
Variant type: single nucleotide variant.
Coding change: c.680G>A on transcript NM_024529.5 (MANE Select); coding-DNA position 680, G replaced by A.
Protein change: p.Arg227Lys; replaces arginine 227 with lysine.
Molecular consequence: missense variant.
Genome position (GRCh38, 1-based): chr1:193,142,017, G>A. VCF-style: chr1-193142017-G-A. GRCh37 (hg19) VCF-style: chr1-193111147-G-A.
Other names: short protein forms R227K.
Identifiers: ClinVar variation 403879 (VCV000403879.18), dbSNP rs145694828, ClinGen allele CA1303433.

ClinVar aggregate classification (germline): Conflicting classifications of pathogenicity. Review status: criteria provided, conflicting classifications (1 of 4 stars). 4 submissions from 4 submitters: Uncertain significance (3); Likely benign (1). Last evaluated 2025-12-10.

Conditions:
Hereditary cancer-predisposing syndrome. Also called: Tumor predisposition; Neoplastic Syndromes, Hereditary; Hereditary Cancer Syndrome; Hereditary neoplastic syndrome. Identifiers: Orphanet 140162, MedGen C0027672, MeSH D009386, MONDO:0015356.
Parathyroid carcinoma (PRTC). Also called: CDC73-Related Parathyroid Carcinoma; Parathyroid gland carcinoma. Identifiers: Orphanet 143, MedGen C0687150, MONDO:0012004, OMIM 608266, HP:0006780.
Hyperparathyroidism 2 with jaw tumors. Also called: Hyperparathyroidism-Jaw Tumor Syndrome; Hyperparathyroidism 2; HYPERPARATHYROIDISM, FAMILIAL PRIMARY, WITH MULTIPLE OSSIFYING JAW FIBROMAS; HYPERPARATHYROIDISM-JAW TUMOR SYNDROME, HEREDITARY. Identifiers: Orphanet 99880, MedGen C1704981, MONDO:0007768, OMIM 145001.
Hyperparathyroidism 1 (HRPT1). Also called: HYPERPARATHYROIDISM, FAMILIAL ISOLATED PRIMARY. Identifiers: Orphanet 99879, MedGen C1840402, MONDO:0007767, OMIM 145000.

Allele frequency attached by ClinVar (database versions not stated): gnomAD exomes 0.00001 and 0.00002; ExAC 0.00002; ESP Exome Variant Server 0.00023; gnomAD 0.00003; TOPMed 0.00003.
gnomAD v4.1: 24 of 1,613,250 alleles (0.0015%); highest among the groups gnomAD compares: Non-Finnish European, 0.002%; no homozygotes.

Submissions (4):

Labcorp Genetics (formerly Invitae), Labcorp
Classification: Uncertain significance for Parathyroid carcinoma. Last evaluated: 2025-12-10. Review status: criteria provided, single submitter. Criteria: Invitae Variant Classification Sherloc (09022015). Collection method: clinical testing. Allele origin: germline.
Comment: This sequence change replaces arginine, which is basic and polar, with lysine, which is basic and polar, at codon 227 of the CDC73 protein (p.Arg227Lys). This variant is present in population databases (rs145694828, gnomAD 0.006%). This variant has not been reported in the literature in individuals affected with CDC73-related conditions. ClinVar contains an entry for this variant (Variation ID: 403879). Invitae Evidence Modeling of protein sequence and biophysical properties (such as structural, functional, and spatial information, amino acid conservation, physicochemical variation, residue mobility, and thermodynamic stability) indicates that this missense variant is not expected to disrupt CDC73 protein function with a negative predictive value of 80%. In summary, the available evidence is currently insufficient to determine the role of this variant in disease. Therefore, it has been classified as a Variant of Uncertain Significance.

Fulgent Genetics
Classification: Uncertain significance for Hyperparathyroidism 1; Hyperparathyroidism 2 with jaw tumors; Parathyroid carcinoma. Last evaluated: 2024-02-13. Review status: criteria provided, single submitter. Criteria: ACMG Guidelines, 2015. Collection method: clinical testing. Allele origin: germline.

Baylor Genetics
Classification: Uncertain significance for Hyperparathyroidism 1. Last evaluated: 2023-12-12. Review status: criteria provided, single submitter. Criteria: ACMG Guidelines, 2015. Collection method: clinical testing. Allele origin: unknown.

Ambry Genetics
Classification: Likely benign for Hereditary cancer-predisposing syndrome. Last evaluated: 2022-01-05. Review status: criteria provided, single submitter. Criteria: Ambry Variant Classification Scheme 2023. Collection method: clinical testing. Allele origin: germline.